The following is an entry in ClinVar:

NM_001377.3(DYNC2H1):c.8089-1G>T

Gene: DYNC2H1 (dynein cytoplasmic 2 heavy chain 1; plus strand). Cytogenetic location: 11q22.3.
Variant type: single nucleotide variant.
Coding change: c.8089-1G>T on transcript NM_001377.3 (MANE Select); the canonical splice acceptor site of the intron before coding-DNA position 8089, G replaced by T.
Molecular consequence: splice acceptor variant.
Genome position (GRCh38, 1-based): chr11:103,200,045, G>T. VCF-style: chr11-103200045-G-T. GRCh37 (hg19) VCF-style: chr11-103070774-G-T.
Other names: c.8089-1G>T (NM_001080463.2).
Identifiers: ClinVar variation 5003965 (VCV005003965.3).

ClinVar aggregate classification (germline): Likely pathogenic. Review status: criteria provided, multiple submitters, no conflicts (2 of 4 stars). 2 submissions from 2 submitters: Likely pathogenic (2). Last evaluated 2026-05-19.

Conditions:
Asphyxiating thoracic dystrophy 3. Also called: SHORT-RIB THORACIC DYSPLASIA 3/6 WITH POLYDACTYLY, DIGENIC; Saldino-Noonan Syndrome; SHORT-RIB THORACIC DYSPLASIA 3 WITH OR WITHOUT POLYDACTYLY; Short rib polydactyly syndrome 2B; POLYDACTYLY WITH NEONATAL CHONDRODYSTROPHY, TYPE I. Identifiers: Orphanet 474, Orphanet 93269, Orphanet 93270, Orphanet 93271, MedGen C0036069, MONDO:0013127, OMIM 613091.

Submissions (2):

Myriad Genetics, Inc.
Classification: Likely pathogenic for Asphyxiating thoracic dystrophy 3. Last evaluated: 2026-05-19. Review status: criteria provided, single submitter. Criteria: Myriad Autosomal Dominant, Autosomal Recessive and X-Linked Classification Criteria (2023). Collection method: clinical testing. Allele origin: unknown.
Comment: NM_001377.2(DYNC2H1):c.8089-1G>T is a variant in a canonical splice site classified as likely pathogenic in the context of DYNC2H1-related disorders. c.8089-1G>T has not been observed in cases with relevant disease. Relevant functional assessments of this variant are not available in the literature. c.8089-1G>T has not been observed in referenced population frequency databases. In summary, NM_001377.2(DYNC2H1):c.8089-1G>T is a variant in a canonical splice site in a gene where loss of function is a known mechanism of disease and is predicted to disrupt protein function. Please note: this variant was assessed in the context of healthy population screening.

Juno Genomics, Hangzhou Juno Genomics, Inc
Classification: Likely pathogenic for Asphyxiating thoracic dystrophy 3. Review status: criteria provided, single submitter. Criteria: ACMG Guidelines, 2015. Collection method: clinical testing. Allele origin: germline.
Comment: Null variant in a gene where loss of function (LOF) is a known mechanism of disease.;Absent from controls (or at extremely low frequency if recessive) in Genome Aggregation Database.